The following is an entry in ClinVar:

NM_000890.5(KCNJ5):c.825C>A (p.Ile275=)

Gene: KCNJ5 (potassium inwardly rectifying channel subfamily J member 5; plus strand). Cytogenetic location: 11q24.3.
Variant type: single nucleotide variant.
Coding change: c.825C>A on transcript NM_000890.5 (MANE Select); coding-DNA position 825, C replaced by A.
Protein change: p.Ile275=; no amino-acid change (isoleucine 275 retained).
Molecular consequence: synonymous variant.
Genome position (GRCh38, 1-based): chr11:128,912,098, C>A. VCF-style: chr11-128912098-C-A. GRCh37 (hg19) VCF-style: chr11-128781993-C-A.
Other names: c.825C>A (LRG_333t1); c.825C>A, p.Ile275= (NM_001354169.2).
Identifiers: ClinVar variation 219547 (VCV000219547.21), dbSNP rs113012271, ClinGen allele CA348016.
Genomic context (GRCh38, chr11:128,912,098, plus strand): 5'-AGACATCAACGTGGGCTTTGACACGGGCGACGACCGCCTCTTCCTTGTGTCTCCTCTGAT[C>A]ATCTCCCATGAGATCAACCAGAAGAGCCCTTTCTGGGAGATGTCTCAGGCTCAGCTGCAT-3'
Protein context (NP_000881.3, residues 265-285): DDRLFLVSPL[Ile275=]ISHEINQKSP

ClinVar aggregate classification (germline): Benign/Likely benign. Review status: criteria provided, multiple submitters, no conflicts (2 of 4 stars). 8 submissions from 8 submitters: Benign (1); Likely benign (6). 1 of the submissions does not count toward it. Last evaluated 2026-06-10.

Conditions:
KCNJ5-related disorder. Also called: KCNJ5-related condition.
Cardiovascular phenotype. Identifiers: MedGen CN230736.
Long QT syndrome (LQTS). Identifiers: MedGen C0023976, MeSH D008133, MONDO:0002442. Disease mechanism: loss of function. Inheritance: Various modes of inheritance.
Familial hyperaldosteronism type III. Also called: FH III; Familial hyperaldosteronism type 3. Identifiers: Orphanet 251274, MedGen C3838758, MONDO:0013359, OMIM 613677.
Long QT syndrome 13 (LQT13). Identifiers: Orphanet 101016, Orphanet 768, MedGen C3150733, MONDO:0013279, OMIM 613485.

Allele frequency attached by ClinVar (database versions not stated): gnomAD exomes 0.00004 and 0.00008; ExAC 0.00006; ESP Exome Variant Server 0.00015; TOPMed 0.00030; gnomAD 0.00033 and 0.00034; 1000 Genomes Project 30x 0.00047; 1000 Genomes Project 0.00060.
gnomAD v4.1: 124 of 1,613,818 alleles (0.0077%); highest among the groups gnomAD compares: African/African-American, 0.14%; no homozygotes.

Submissions (8):

Women's Health and Genetics/Laboratory Corporation of America, LabCorp
Classification: Benign. Last evaluated: 2026-06-10. Review status: criteria provided, single submitter. Criteria: LabCorp Variant Classification Summary - May 2015. Collection method: clinical testing. Allele origin: germline.

Labcorp Genetics (formerly Invitae), Labcorp
Classification: Likely benign for Long QT syndrome. Last evaluated: 2026-01-21. Review status: criteria provided, single submitter. Criteria: Invitae Variant Classification Sherloc (09022015). Collection method: clinical testing. Allele origin: germline.

Blueprint Genetics
Classification: Likely benign. Last evaluated: 2023-10-08. Review status: criteria provided, single submitter. Criteria: ACMG Guidelines, 2015. Collection method: clinical testing. Allele origin: germline.

Fulgent Genetics
Classification: Likely benign for Long QT syndrome 13; Familial hyperaldosteronism type III. Last evaluated: 2022-04-14. Review status: criteria provided, single submitter. Criteria: ACMG Guidelines, 2015. Collection method: clinical testing. Allele origin: unknown.

GeneDx
Classification: Likely benign. Last evaluated: 2019-07-23. Review status: criteria provided, single submitter. Criteria: GeneDx Variant Classification Process June 2021. Collection method: clinical testing. Allele origin: germline. Affected: yes.

Ambry Genetics
Classification: Likely benign for Cardiovascular phenotype. Last evaluated: 2019-02-19. Review status: criteria provided, single submitter. Criteria: Ambry Variant Classification Scheme 2023. Collection method: clinical testing. Allele origin: germline.

Breakthrough Genomics
Classification: Likely benign. Review status: criteria provided, single submitter. Criteria: ACMG Guidelines, 2015. Collection method: not provided. Allele origin: germline. Inheritance: Autosomal dominant inheritance. Affected: yes.

PreventionGenetics, part of Exact Sciences
Classification: Likely benign for KCNJ5-related condition. Last evaluated: 2024-09-04. Review status: no assertion criteria provided. Collection method: clinical testing. Allele origin: germline. Not counted in ClinVar's aggregate classification.
Comment: This variant is classified as likely benign based on ACMG/AMP sequence variant interpretation guidelines (Richards et al. 2015 PMID: 25741868, with internal and published modifications).